The following is an entry in ClinVar:

ClinVar aggregate classification (germline): Uncertain significance (1 of 4 stars; one submission).

Submission:

Labcorp Genetics (formerly Invitae), Labcorp
Classification: Uncertain significance. Last evaluated: 2021-12-20. Review status: criteria provided, single submitter. Criteria: Invitae Variant Classification Sherloc (09022015). Collection method: clinical testing. Allele origin: germline.
Comment: This variant is not present in population databases (gnomAD no frequency). This sequence change falls in intron 6 of the CACNA1F gene. It does not directly change the encoded amino acid sequence of the CACNA1F protein. It affects a nucleotide within the consensus splice site. This variant has not been reported in the literature in individuals affected with CACNA1F-related conditions. Variants that disrupt the consensus splice site are a relatively common cause of aberrant splicing (PMID: 17576681, 9536098). Algorithms developed to predict the effect of sequence changes on RNA splicing suggest that this variant may create or strengthen a splice site. In summary, the available evidence is currently insufficient to determine the role of this variant in disease. Therefore, it has been classified as a Variant of Uncertain Significance.

Literature cited by the submitters: PubMed 17576681; PubMed 9536098.

NM_001256789.3(CACNA1F):c.817+3T>C

Gene: CACNA1F (calcium voltage-gated channel subunit alpha1 F; minus strand). Cytogenetic location: Xp11.23.
Variant type: single nucleotide variant.
Coding change: c.817+3T>C on transcript NM_001256789.3 (MANE Select); 3 bases into the intron after coding-DNA position 817, T replaced by C.
Molecular consequence: intron variant.
Genome position (GRCh38, 1-based): chrX:49,230,217, A>G on the plus strand (T>C on the coding strand, the complement: CACNA1F is on the minus strand). VCF-style: chrX-49230217-A-G. GRCh37 (hg19) VCF-style: chrX-49086679-A-G.
Other names: c.817+3T>C (NM_005183.4); c.622+3T>C (NM_001256790.3).
Identifiers: ClinVar variation 1929692 (VCV001929692.5), dbSNP rs2065863426, ClinGen allele CA2428544146.